The following is an entry in ClinVar:

NM_001278064.2(GRM1):c.2504T>C (p.Met835Thr)

Gene: GRM1 (glutamate metabotropic receptor 1; plus strand). Cytogenetic location: 6q24.3.
Variant type: single nucleotide variant.
Coding change: c.2504T>C on transcript NM_001278064.2 (MANE Select); coding-DNA position 2504, T replaced by C.
Protein change: p.Met835Thr; replaces methionine 835 with threonine.
Molecular consequence: missense variant.
Genome position (GRCh38, 1-based): chr6:146,399,543, T>C. VCF-style: chr6-146399543-T-C. GRCh37 (hg19) VCF-style: chr6-146720679-T-C.
Other names: c.2504T>C, p.Met835Thr (NM_001278065.2, NM_001278066.1, NM_001278067.1); short protein forms M835T.
Identifiers: ClinVar variation 2656973 (VCV002656973.24), dbSNP rs1317913731, ClinGen allele CA366195750.

ClinVar aggregate classification (germline): Uncertain significance (1 of 4 stars; one submission).

Allele frequency attached by ClinVar (database versions not stated): gnomAD exomes below 0.00001; TOPMed below 0.00001; gnomAD 0.00001.
gnomAD v4.1: 2 of 1,614,030 alleles (0.00012%); highest among the groups gnomAD compares: African/African-American, 0.0013%; no homozygotes.

Submission:

CeGaT Center for Human Genetics Tuebingen
Classification: Uncertain significance. Last evaluated: 2022-10-01. Review status: criteria provided, single submitter. Criteria: CeGaT Center For Human Genetics Tuebingen Variant Classification Criteria Version 2. Collection method: clinical testing. Allele origin: germline. Affected: yes. Observed: 1 variant allele.
Comment: GRM1: PM2